The following is an entry in ClinVar:

ClinVar aggregate classification (germline): Uncertain significance (1 of 4 stars; one submission).

gnomAD v4.1: 1 of 1,613,964 alleles (0.000062%); highest among the groups gnomAD compares: South Asian, 0.0011%; no homozygotes.

Submission:

GeneDx
Classification: Uncertain significance. Last evaluated: 2022-01-14. Review status: criteria provided, single submitter. Criteria: GeneDx Variant Classification Process June 2021. Collection method: clinical testing. Allele origin: germline. Affected: yes.
Comment: Not observed at significant frequency in large population cohorts (gnomAD); In silico analysis supports that this missense variant has a deleterious effect on protein structure/function; Has not been previously published as pathogenic or benign to our knowledge

NM_014991.6(WDFY3):c.8503G>T (p.Ala2835Ser)

Gene: WDFY3 (WD repeat and FYVE domain containing 3; minus strand). Cytogenetic location: 4q21.23.
Variant type: single nucleotide variant.
Coding change: c.8503G>T on transcript NM_014991.6 (MANE Select); coding-DNA position 8503, G replaced by T.
Protein change: p.Ala2835Ser; replaces alanine 2835 with serine.
Molecular consequence: missense variant.
Genome position (GRCh38, 1-based): chr4:84,702,446, C>A on the plus strand (G>T on the coding strand, the complement: WDFY3 is on the minus strand). VCF-style: chr4-84702446-C-A. GRCh37 (hg19) VCF-style: chr4-85623599-C-A.
Other names: short protein forms A2835S.
Identifiers: ClinVar variation 1697099 (VCV001697099.2), dbSNP rs2148936177, ClinGen allele CA357539343.